The following is an entry in ClinVar:

ClinVar aggregate classification (germline): Uncertain significance. Review status: criteria provided, multiple submitters, no conflicts (2 of 4 stars). 2 submissions from 2 submitters: Uncertain significance (2). Last evaluated 2024-06-20.

Conditions:
Hereditary cancer-predisposing syndrome. Also called: Neoplastic Syndromes, Hereditary; Tumor predisposition; Hereditary neoplastic syndrome; Hereditary Cancer Syndrome. Identifiers: Orphanet 140162, MedGen C0027672, MeSH D009386, MONDO:0015356.

Submissions (2):

Quest Diagnostics Nichols Institute San Juan Capistrano
Classification: Uncertain significance. Last evaluated: 2024-06-20. Review status: criteria provided, single submitter. Criteria: Quest Diagnostics criteria. Collection method: clinical testing. Allele origin: unknown.
Comment: The BRIP1 c.1757T>C (p.Val586Ala) variant has not been reported in individuals with BRIP1-related conditions in the published literature. It also has not been reported in large, multi-ethnic general populations (Genome Aggregation Database). Analysis of this variant using bioinformatics tools for the prediction of the effect of amino acid changes on protein structure and function yielded conflicting predictions that this variant is benign or damaging. Based on the available information, we are unable to determine the clinical significance of this variant.

Ambry Genetics
Classification: Uncertain significance for Hereditary cancer-predisposing syndrome. Last evaluated: 2023-12-07. Review status: criteria provided, single submitter. Criteria: Ambry Variant Classification Scheme 2023. Collection method: clinical testing. Allele origin: germline.
Comment: The p.V586A variant (also known as c.1757T>C), located in coding exon 11 of the BRIP1 gene, results from a T to C substitution at nucleotide position 1757. The valine at codon 586 is replaced by alanine, an amino acid with similar properties. This amino acid position is conserved. In addition, this alteration is predicted to be tolerated by in silico analysis. Since supporting evidence is limited at this time, the clinical significance of this alteration remains unclear.

NM_032043.3(BRIP1):c.1757T>C (p.Val586Ala)

Gene: BRIP1 (BRCA1 interacting DNA helicase 1; minus strand). Cytogenetic location: 17q23.2.
Variant type: single nucleotide variant.
Coding change: c.1757T>C on transcript NM_032043.3 (MANE Select); coding-DNA position 1757, T replaced by C.
Protein change: p.Val586Ala; replaces valine 586 with alanine.
Molecular consequence: missense variant.
Genome position (GRCh38, 1-based): chr17:61,780,877, A>G on the plus strand (T>C on the coding strand, the complement: BRIP1 is on the minus strand). VCF-style: chr17-61780877-A-G. GRCh37 (hg19) VCF-style: chr17-59858238-A-G.
Other names: short protein forms V586A.
Identifiers: ClinVar variation 3228096 (VCV003228096.2), dbSNP rs2145091764, ClinGen allele CA400480318.